The following is an entry in ClinVar:

NM_181507.2(HPS5):c.3257G>T (p.Gly1086Val)

Gene: HPS5 (HPS5 biogenesis of lysosomal organelles complex 2 subunit 2; minus strand). Cytogenetic location: 11p15.1.
Variant type: single nucleotide variant.
Coding change: c.3257G>T on transcript NM_181507.2 (MANE Select); coding-DNA position 3257, G replaced by T.
Protein change: p.Gly1086Val; replaces glycine 1086 with valine.
Molecular consequence: missense variant.
Genome position (GRCh38, 1-based): chr11:18,282,022, C>A on the plus strand (G>T on the coding strand, the complement: HPS5 is on the minus strand). VCF-style: chr11-18282022-C-A. GRCh37 (hg19) VCF-style: chr11-18303569-C-A.
Other names: c.2915G>T, p.Gly972Val (NM_181508.2, NM_007216.4); short protein forms G972V, G1086V.
Identifiers: ClinVar variation 877743 (VCV000877743.5), dbSNP rs773390398, ClinGen allele CA5909611.

ClinVar aggregate classification (germline): Uncertain significance. Review status: criteria provided, multiple submitters, no conflicts (2 of 4 stars). 2 submissions from 2 submitters: Uncertain significance (2). Last evaluated 2025-12-08.

Conditions:
Hermansky-Pudlak syndrome 5 (HPS5). Identifiers: Orphanet 231512, Orphanet 79430, MedGen C3888004, MONDO:0013557, OMIM 614074.

Allele frequency attached by ClinVar (database versions not stated): gnomAD 0.00001; ExAC 0.00002; gnomAD exomes 0.00002; TOPMed 0.00002.
gnomAD v4.1: 16 of 1,614,212 alleles (0.00099%); highest among the groups gnomAD compares: East Asian, 0.036%; no homozygotes.

Submissions (2):

Labcorp Genetics (formerly Invitae), Labcorp
Classification: Uncertain significance. Last evaluated: 2025-12-08. Review status: criteria provided, single submitter. Criteria: Invitae Variant Classification Sherloc (09022015). Collection method: clinical testing. Allele origin: germline.
Comment: This sequence change replaces glycine, which is neutral and non-polar, with valine, which is neutral and non-polar, at codon 1086 of the HPS5 protein (p.Gly1086Val). This variant is present in population databases (rs773390398, gnomAD 0.03%). This variant has not been reported in the literature in individuals affected with HPS5-related conditions. ClinVar contains an entry for this variant (Variation ID: 877743). An algorithm developed to predict the effect of missense changes on protein structure and function (PolyPhen-2) suggests that this variant is likely to be disruptive. In summary, the available evidence is currently insufficient to determine the role of this variant in disease. Therefore, it has been classified as a Variant of Uncertain Significance.

Illumina Laboratory Services, Illumina
Classification: Uncertain significance for Hermansky-Pudlak syndrome 5. Last evaluated: 2018-01-12. Review status: criteria provided, single submitter. Criteria: ICSL Variant Classification Criteria 13 December 2019. Collection method: clinical testing. Allele origin: germline.